The following is an entry in ClinVar:

NM_024426.6(WT1):c.477_478delinsAA (p.Gln160Lys)

Genes: WT1 (WT1 transcription factor; minus strand), LOC107982234 (WT1/WT1-AS bi-directional promoter region; plus strand). Cytogenetic location: 11p13.
Variant type: Indel.
Coding change: c.477_478delinsAA on transcript NM_024426.6 (MANE Select); coding-DNA positions 477 to 478, GC replaced by AA.
Protein change: p.Gln160Lys; replaces glutamine 160 with lysine.
Molecular consequence: missense variant. On other transcripts: non-coding transcript variant (2).
Genome position (GRCh38, 1-based): chr11:32,434,883-32,434,884, GC replaced by TT on the plus strand (GC replaced by AA on the coding strand, the reverse complement: WT1 is on the minus strand). VCF-style: chr11-32434883-GC-TT. GRCh37 (hg19) VCF-style: chr11-32456429-GC-TT.
Other names: c.477_478delinsAA, p.Gln160Lys (NM_000378.6, NM_001407044.1, NM_001407045.1 and 6 more transcripts); c.258_259delinsAA, p.Gln87Lys (NM_001429031.1, NM_001429032.1, NM_001429033.1 and 1 more transcripts); short protein forms Q87K, Q160K, Q155K.
Identifiers: ClinVar variation 4825390 (VCV004825390.1).

ClinVar aggregate classification (germline): Uncertain significance (1 of 4 stars; one submission).

Conditions:
Inborn genetic diseases. Identifiers: MedGen C0950123, MeSH D030342.

Submission:

Ambry Genetics
Classification: Uncertain significance for Inborn genetic diseases. Last evaluated: 2026-01-28. Review status: criteria provided, single submitter. Criteria: Ambry Variant Classification Scheme 2023. Collection method: clinical testing. Allele origin: germline.
Comment: The c.462_463delGCinsAA variant, located in coding exon 1 of the WT1 gene, results from an in-frame deletion of GC and insertion of AA at nucleotide positions 462 to 463. This results in the substitution of the glutamine residue for a lysine residue at codon 155, an amino acid with similar properties. This amino acid position is highly conserved in available vertebrate species. In addition, this variant is predicted to be neutral by in silico analysis (Choi Y et al. PLoS ONE. 2012; 7(10):e46688). Based on the available evidence, the clinical significance of this variant remains unclear.